The following is an entry in ClinVar:

ClinVar aggregate classification (germline): Uncertain significance. Review status: criteria provided, multiple submitters, no conflicts (2 of 4 stars). 2 submissions from 2 submitters: Uncertain significance (2). Last evaluated 2021-06-17.

Conditions:
Inborn genetic diseases. Identifiers: MedGen C0950123, MeSH D030342.

Allele frequency attached by ClinVar (database versions not stated): gnomAD exomes below 0.00001; TOPMed 0.00003; gnomAD 0.00004.

Submissions (2):

Ambry Genetics
Classification: Uncertain significance for Inborn genetic diseases. Last evaluated: 2021-06-17. Review status: criteria provided, single submitter. Criteria: Ambry Variant Classification Scheme 2023. Collection method: clinical testing. Allele origin: germline.

GeneDx
Classification: Uncertain significance. Last evaluated: 2019-02-27. Review status: criteria provided, single submitter. Criteria: GeneDx Variant Classification Process June 2021. Collection method: clinical testing. Allele origin: germline. Affected: yes.
Comment: Not observed in large population cohorts (Lek et al., 2016); In silico analysis, which includes protein predictors and evolutionary conservation, supports that this variant does not alter protein structure/function; Has not been previously published as pathogenic or benign to our knowledge

NM_001372044.2(SHANK3):c.4924G>A (p.Gly1642Ser)

Gene: SHANK3 (SH3 and multiple ankyrin repeat domains 3; plus strand). Cytogenetic location: 22q13.33.
Variant type: single nucleotide variant.
Coding change: c.4924G>A on transcript NM_001372044.2 (MANE Select); coding-DNA position 4924, G replaced by A.
Protein change: p.Gly1642Ser; replaces glycine 1642 with serine.
Molecular consequence: missense variant.
Genome position (GRCh38, 1-based): chr22:50,730,815, G>A. VCF-style: chr22-50730815-G-A. GRCh37 (hg19) VCF-style: chr22-51169243-G-A.
Other names: c.4699G>A (NM_033517.1); short protein forms G1642S.
Identifiers: ClinVar variation 1198636 (VCV001198636.4), dbSNP rs1050241731, ClinGen allele CA325590925.